The following is an entry in ClinVar:

NM_003172.4(SURF1):c.233C>T (p.Thr78Ile)

Gene: SURF1 (SURF1 cytochrome c oxidase assembly factor; minus strand). Cytogenetic location: 9q34.2.
Variant type: single nucleotide variant.
Coding change: c.233C>T on transcript NM_003172.4 (MANE Select); coding-DNA position 233, C replaced by T.
Protein change: p.Thr78Ile; replaces threonine 78 with isoleucine.
Molecular consequence: missense variant. On other transcripts: 5 prime UTR variant (1).
Genome position (GRCh38, 1-based): chr9:133,354,831, G>A on the plus strand (C>T on the coding strand, the complement: SURF1 is on the minus strand). VCF-style: chr9-133354831-G-A. GRCh37 (hg19) VCF-style: chr9-136221686-G-A.
Other names: c.-95C>T (NM_001280787.1); c.233C>T (NM_003172.2); short protein forms T78I.
Identifiers: ClinVar variation 1897063 (VCV001897063.3), dbSNP rs782309336, ClinGen allele CA200833469.

ClinVar aggregate classification (germline): Uncertain significance. Review status: criteria provided, multiple submitters, no conflicts (2 of 4 stars). 2 submissions from 2 submitters: Uncertain significance (2). Last evaluated 2023-10-10.

Conditions:
Inborn genetic diseases. Identifiers: MedGen C0950123, MeSH D030342.
Leigh syndrome (NULS). Also called: Leigh Syndrome (mtDNA deletion); Leigh's syndrome; Leigh Disease; Subacute necrotizing encephalopathy; Necrotizing encephalopathy infantile subacute of Leigh; Leigh's necrotizing encephalopathy. Identifiers: Orphanet 506, MedGen C2931891, MONDO:0009723, OMIM 256000.

Allele frequency attached by ClinVar (database versions not stated): gnomAD exomes 0.00001; gnomAD 0.00003; TOPMed 0.00006.
gnomAD v4.1: 15 of 1,613,806 alleles (0.00093%); highest among the groups gnomAD compares: African/African-American, 0.011%; no homozygotes.

Submissions (2):

Ambry Genetics
Classification: Uncertain significance for Inborn genetic diseases. Last evaluated: 2023-10-10. Review status: criteria provided, single submitter. Criteria: Ambry Variant Classification Scheme 2023. Collection method: clinical testing. Allele origin: germline.

Labcorp Genetics (formerly Invitae), Labcorp
Classification: Uncertain significance for Leigh syndrome. Last evaluated: 2022-07-13. Review status: criteria provided, single submitter. Criteria: Invitae Variant Classification Sherloc (09022015). Collection method: clinical testing. Allele origin: germline.
Comment: This sequence change replaces threonine, which is neutral and polar, with isoleucine, which is neutral and non-polar, at codon 78 of the SURF1 protein (p.Thr78Ile). This variant is present in population databases (rs782309336, gnomAD 0.02%). This variant has not been reported in the literature in individuals affected with SURF1-related conditions. Algorithms developed to predict the effect of missense changes on protein structure and function are either unavailable or do not agree on the potential impact of this missense change (SIFT: "Tolerated"; PolyPhen-2: "Possibly Damaging"; Align-GVGD: "Class C0"). In summary, the available evidence is currently insufficient to determine the role of this variant in disease. Therefore, it has been classified as a Variant of Uncertain Significance.